The following is an entry in ClinVar:

NM_015629.4(PRPF31):c.670G>A (p.Gly224Arg)

Gene: PRPF31 (pre-mRNA processing factor 31; plus strand). Cytogenetic location: 19q13.42.
Variant type: single nucleotide variant.
Coding change: c.670G>A on transcript NM_015629.4 (MANE Select); coding-DNA position 670, G replaced by A.
Protein change: p.Gly224Arg; replaces glycine 224 with arginine.
Molecular consequence: missense variant.
Genome position (GRCh38, 1-based): chr19:54,123,891, G>A. VCF-style: chr19-54123891-G-A. GRCh37 (hg19) VCF-style: chr19-54627270-G-A.
Other names: short protein forms G224R.
Identifiers: ClinVar variation 1409831 (VCV001409831.6), dbSNP rs750619000, ClinGen allele CA309325324.

ClinVar aggregate classification (germline): Uncertain significance (1 of 4 stars; one submission).

Allele frequency attached by ClinVar (database versions not stated): ExAC 0.00002; gnomAD exomes 0.00002; TOPMed 0.00003; gnomAD 0.00004.
gnomAD v4.1: 11 of 1,613,802 alleles (0.00068%); highest among the groups gnomAD compares: African/African-American, 0.008%; no homozygotes.

Submission:

Labcorp Genetics (formerly Invitae), Labcorp
Classification: Uncertain significance. Last evaluated: 2023-02-03. Review status: criteria provided, single submitter. Criteria: Invitae Variant Classification Sherloc (09022015). Collection method: clinical testing. Allele origin: germline.
Comment: In summary, the available evidence is currently insufficient to determine the role of this variant in disease. Therefore, it has been classified as a Variant of Uncertain Significance. Algorithms developed to predict the effect of missense changes on protein structure and function (SIFT, PolyPhen-2, Align-GVGD) all suggest that this variant is likely to be disruptive. ClinVar contains an entry for this variant (Variation ID: 1409831). This missense change has been observed in individual(s) with retinitis pigmentosa (PMID: 18310263). This variant is present in population databases (rs750619000, gnomAD 0.01%). This sequence change replaces glycine, which is neutral and non-polar, with arginine, which is basic and polar, at codon 224 of the PRPF31 protein (p.Gly224Arg).

Literature cited by the submitters: PubMed 18310263.